The following is an entry in ClinVar:

ClinVar aggregate classification (germline): Benign/Likely benign. Review status: criteria provided, multiple submitters, no conflicts (2 of 4 stars). 6 submissions from 6 submitters: Benign (2); Likely benign (3). 1 of the submissions does not count toward it. Last evaluated 2026-08-01.

Conditions:
Rubinstein-Taybi syndrome due to CREBBP mutations (RSTS1). Also called: Rubinstein-Taybi syndrome 1; CREBBP-Related Rubinstein-Taybi Syndrome; BROAD THUMBS AND GREAT TOES, CHARACTERISTIC FACIES, AND IMPAIRED INTELLECTUAL DEVELOPMENT; RUBINSTEIN-TAYBI SYNDROME 1, INCOMPLETE; BROAD THUMB-HALLUX SYNDROME; RUBINSTEIN SYNDROME. Identifiers: Orphanet 353277, Orphanet 783, MedGen C4551859, MONDO:0008393, OMIM 180849.
Menke-Hennekam syndrome 1 (MKHK1). Identifiers: MedGen C5193034, MONDO:0020763, OMIM 618332.
Inborn genetic diseases. Identifiers: MedGen C0950123, MeSH D030342.
CREBBP-related disorder. Also called: CREBBP-related disorders; CREBBP-related condition.
Rubinstein-Taybi syndrome (RSTS). Identifiers: Orphanet 783, MedGen C0035934, MONDO:0019188.

Allele frequency attached by ClinVar (database versions not stated): ExAC 0.00031; TOPMed 0.00011; gnomAD exomes 0.00030.
gnomAD v4.1: 111 of 1,613,642 alleles (0.0069%); highest among the groups gnomAD compares: Admixed American, 0.15%; 1 homozygote.

Submissions (6):

CeGaT Center for Human Genetics Tuebingen
Classification: Likely benign. Last evaluated: 2026-08-01. Review status: criteria provided, single submitter. Criteria: CeGaT Center For Human Genetics Tuebingen Variant Classification Criteria Version 2. Collection method: clinical testing. Allele origin: germline. Affected: yes. Observed: 3 variant alleles.
Comment: CREBBP: BP4, BP7, BS1

Labcorp Genetics (formerly Invitae), Labcorp
Classification: Benign for Rubinstein-Taybi syndrome. Last evaluated: 2026-01-05. Review status: criteria provided, single submitter. Criteria: Invitae Variant Classification Sherloc (09022015). Collection method: clinical testing. Allele origin: germline.

Fulgent Genetics
Classification: Likely benign for Rubinstein-Taybi syndrome due to CREBBP mutations; Menke-Hennekam syndrome 1. Last evaluated: 2021-12-28. Review status: criteria provided, single submitter. Criteria: ACMG Guidelines, 2015. Collection method: clinical testing. Allele origin: unknown.

GeneDx
Classification: Benign. Last evaluated: 2020-02-11. Review status: criteria provided, single submitter. Criteria: GeneDx Variant Classification Process June 2021. Collection method: clinical testing. Allele origin: germline. Affected: yes.

Ambry Genetics
Classification: Likely benign for Inborn genetic diseases. Last evaluated: 2017-05-31. Review status: criteria provided, single submitter. Criteria: Ambry Variant Classification Scheme 2023. Collection method: clinical testing. Allele origin: germline.

PreventionGenetics, part of Exact Sciences
Classification: Likely benign for CREBBP-related condition. Last evaluated: 2021-06-28. Review status: no assertion criteria provided. Collection method: clinical testing. Allele origin: germline. Not counted in ClinVar's aggregate classification.
Comment: This variant is classified as likely benign based on ACMG/AMP sequence variant interpretation guidelines (Richards et al. 2015 PMID: 25741868, with internal and published modifications).

NM_004380.3(CREBBP):c.2616G>A (p.Thr872=)

Gene: CREBBP (CREB binding lysine acetyltransferase; minus strand). Cytogenetic location: 16p13.3.
Variant type: single nucleotide variant.
Coding change: c.2616G>A on transcript NM_004380.3 (MANE Select); coding-DNA position 2616, G replaced by A.
Protein change: p.Thr872=; no amino-acid change (threonine 872 retained).
Molecular consequence: synonymous variant.
Genome position (GRCh38, 1-based): chr16:3,770,834, C>T on the plus strand (G>A on the coding strand, the complement: CREBBP is on the minus strand). VCF-style: chr16-3770834-C-T. GRCh37 (hg19) VCF-style: chr16-3820835-C-T.
Other names: c.2502G>A, p.Thr834= (NM_001079846.1).
Identifiers: ClinVar variation 380615 (VCV000380615.24), dbSNP rs781112420, ClinGen allele CA7870063.